The following is an entry in ClinVar:

NM_004260.4(RECQL4):c.1099C>T (p.Arg367Trp)

Gene: RECQL4 (RecQ like helicase 4; minus strand). Cytogenetic location: 8q24.3.
Variant type: single nucleotide variant.
Coding change: c.1099C>T on transcript NM_004260.4 (MANE Select); coding-DNA position 1099, C replaced by T.
Protein change: p.Arg367Trp; replaces arginine 367 with tryptophan.
Molecular consequence: missense variant.
Genome position (GRCh38, 1-based): chr8:144,516,020, G>A on the plus strand (C>T on the coding strand, the complement: RECQL4 is on the minus strand). VCF-style: chr8-144516020-G-A. GRCh37 (hg19) VCF-style: chr8-145741404-G-A.
Other names: short protein forms R367W.
Identifiers: ClinVar variation 579599 (VCV000579599.13), dbSNP rs531175632, ClinGen allele CA4949073.

ClinVar aggregate classification (germline): Uncertain significance. Review status: criteria provided, multiple submitters, no conflicts (2 of 4 stars). 3 submissions from 3 submitters: Uncertain significance (3). Last evaluated 2025-12-30.

Conditions:
Inborn genetic diseases. Identifiers: MedGen C0950123, MeSH D030342.
Baller-Gerold syndrome (BGS). Also called: CRANIOSYNOSTOSIS WITH RADIAL DEFECTS. Identifiers: Orphanet 1225, MedGen C0265308, MONDO:0009039, OMIM 218600.

Allele frequency attached by ClinVar (database versions not stated): gnomAD 0.00001 and 0.00002; ExAC 0.00002; TOPMed 0.00003; 1000 Genomes Project 30x 0.00016; 1000 Genomes Project 0.00020.

Submissions (3):

Labcorp Genetics (formerly Invitae), Labcorp
Classification: Uncertain significance for Baller-Gerold syndrome. Last evaluated: 2025-12-30. Review status: criteria provided, single submitter. Criteria: Invitae Variant Classification Sherloc (09022015). Collection method: clinical testing. Allele origin: germline.
Comment: This sequence change replaces arginine, which is basic and polar, with tryptophan, which is neutral and slightly polar, at codon 367 of the RECQL4 protein (p.Arg367Trp). This variant is present in population databases (rs531175632, gnomAD 0.005%). This variant has not been reported in the literature in individuals affected with RECQL4-related conditions. ClinVar contains an entry for this variant (Variation ID: 579599). Invitae Evidence Modeling of protein sequence and biophysical properties (such as structural, functional, and spatial information, amino acid conservation, physicochemical variation, residue mobility, and thermodynamic stability) indicates that this missense variant is not expected to disrupt RECQL4 protein function with a negative predictive value of 80%. In summary, the available evidence is currently insufficient to determine the role of this variant in disease. Therefore, it has been classified as a Variant of Uncertain Significance.

Ambry Genetics
Classification: Uncertain significance for Inborn genetic diseases. Last evaluated: 2024-12-06. Review status: criteria provided, single submitter. Criteria: Ambry Variant Classification Scheme 2023. Collection method: clinical testing. Allele origin: germline.
Comment: The p.R367W variant (also known as c.1099C>T), located in coding exon 5 of the RECQL4 gene, results from a C to T substitution at nucleotide position 1099. The arginine at codon 367 is replaced by tryptophan, an amino acid with dissimilar properties. This amino acid position is conserved. In addition, this alteration is predicted to be tolerated by in silico analysis. Based on the available evidence, the clinical significance of this variant remains unclear.

Institute for Clinical Genetics, University Hospital TU Dresden, University Hospital TU Dresden
Classification: Uncertain significance. Last evaluated: 2021-11-03. Review status: criteria provided, single submitter. Criteria: ACMG Guidelines, 2015. Collection method: clinical testing. Allele origin: germline.